The following is an entry in ClinVar:

ClinVar aggregate classification (germline): Pathogenic (1 of 4 stars; one submission).

Conditions:
Duchenne muscular dystrophy (DMD). Also called: MUSCULAR DYSTROPHY, PSEUDOHYPERTROPHIC PROGRESSIVE, DUCHENNE TYPE; Duchenne Muscular Dystrophy (DMD). Identifiers: Orphanet 98896, MedGen C0013264, MONDO:0010679, OMIM 310200.

Submission:

Labcorp Genetics (formerly Invitae), Labcorp
Classification: Pathogenic for Duchenne muscular dystrophy. Last evaluated: 2018-10-08. Review status: criteria provided, single submitter. Criteria: Invitae Variant Classification Sherloc (09022015). Collection method: clinical testing. Allele origin: germline.
Comment: This variant is a gross deletion of the genomic region encompassing exons 45-47 of the DMD gene. This leads to an in-frame deletion, preserving the integrity of the reading frame. Gross deletions in the DMD gene are known to be pathogenic. Similar deletions involving exons 45-47 have been reported in multiple individuals affected with Becker muscular dystrophy (PMID: 11257468, 2063877, 19449031, 18752307, 16566881, 22090376) and in individuals affected with dilated cardiomyopathy (PMID: 21851881). For these reasons, this variant has been classified as Pathogenic.

Literature cited by the submitters: PubMed 22090376; PubMed 11257468; PubMed 16566881; PubMed 21851881; PubMed 18752307; PubMed 19449031; PubMed 2063877.

NC_000023.11:g.(?_31879410)_(31968524_?)del

Gene: DMD (dystrophin; minus strand). Cytogenetic location: Xp21.1.
Variant type: Deletion.
Identifiers: ClinVar variation 640987 (VCV000640987.1).